The following is an entry in ClinVar:

ClinVar aggregate classification (germline): Likely benign. Review status: criteria provided, multiple submitters, no conflicts (2 of 4 stars). 2 submissions from 2 submitters: Likely benign (2). Last evaluated 2018-06-14.

Allele frequency attached by ClinVar (database versions not stated): 1000 Genomes Project 30x 0.01140; 1000 Genomes Project 0.01158; TOPMed 0.01689; gnomAD 0.01695 and 0.01786.
gnomAD v4.1: 29,653 of 1,447,180 alleles (2%); highest among the groups gnomAD compares: Non-Finnish European, 2.2%; 386 homozygotes.

Submissions (2):

GeneDx
Classification: Likely benign. Last evaluated: 2018-06-14. Review status: criteria provided, single submitter. Criteria: GeneDx Variant Classification (06012015). Collection method: clinical testing. Allele origin: germline. Affected: yes.
Comment: This variant is considered likely benign or benign based on one or more of the following criteria: it is a conservative change, it occurs at a poorly conserved position in the protein, it is predicted to be benign by multiple in silico algorithms, and/or has population frequency not consistent with disease.

Breakthrough Genomics
Classification: Likely benign. Review status: criteria provided, single submitter. Criteria: ACMG Guidelines, 2015. Collection method: not provided. Allele origin: germline. Inheritance: Autosomal dominant inheritance. Affected: yes.

NM_000393.5(COL5A2):c.2446-84A>G

Gene: COL5A2 (collagen type V alpha 2 chain; minus strand). Cytogenetic location: 2q32.2.
Variant type: single nucleotide variant.
Coding change: c.2446-84A>G on transcript NM_000393.5 (MANE Select); 84 bases into the intron before coding-DNA position 2446, A replaced by G.
Molecular consequence: intron variant.
Genome position (GRCh38, 1-based): chr2:189,054,032, T>C on the plus strand (A>G on the coding strand, the complement: COL5A2 is on the minus strand). VCF-style: chr2-189054032-T-C. GRCh37 (hg19) VCF-style: chr2-189918758-T-C.
Identifiers: ClinVar variation 673986 (VCV000673986.2), dbSNP rs73978810, ClinGen allele CA62597712.